The following is an entry in ClinVar:

NM_001349253.2(SCN11A):c.1729C>T (p.Pro577Ser)

Gene: SCN11A (sodium voltage-gated channel alpha subunit 11; minus strand). Cytogenetic location: 3p22.2.
Variant type: single nucleotide variant.
Coding change: c.1729C>T on transcript NM_001349253.2 (MANE Select); coding-DNA position 1729, C replaced by T.
Protein change: p.Pro577Ser; replaces proline 577 with serine.
Molecular consequence: missense variant.
Genome position (GRCh38, 1-based): chr3:38,903,978, G>A on the plus strand (C>T on the coding strand, the complement: SCN11A is on the minus strand). VCF-style: chr3-38903978-G-A. GRCh37 (hg19) VCF-style: chr3-38945469-G-A.
Other names: c.1729C>T, p.Pro577Ser (NM_014139.3); short protein forms P577S.
Identifiers: ClinVar variation 541559 (VCV000541559.7), dbSNP rs1174559334, ClinGen allele CA352164545.

ClinVar aggregate classification (germline): Uncertain significance (1 of 4 stars; one submission).

Conditions:
Hereditary sensory and autonomic neuropathy type 7. Also called: Neuropathy, hereditary sensory and autonomic, type VII; HSAN VII. Identifiers: Orphanet 391397, MedGen C3809882, MONDO:0014244, OMIM 615548.
Familial episodic pain syndrome with predominantly lower limb involvement. Also called: Episodic pain syndrome, familial, 3. Identifiers: Orphanet 391384, Orphanet 391392, MedGen C3809899, MONDO:0014247, OMIM 615552.

Submission:

Labcorp Genetics (formerly Invitae), Labcorp
Classification: Uncertain significance for Familial episodic pain syndrome with predominantly lower limb involvement; Hereditary sensory and autonomic neuropathy type 7. Last evaluated: 2019-03-30. Review status: criteria provided, single submitter. Criteria: Invitae Variant Classification Sherloc (09022015). Collection method: clinical testing. Allele origin: germline.
Comment: This variant has not been reported in the literature in individuals with SCN11A-related disease. This variant is not present in population databases (ExAC no frequency). This sequence change replaces proline with serine at codon 577 of the SCN11A protein (p.Pro577Ser). The proline residue is highly conserved and there is a moderate physicochemical difference between proline and serine. In summary, the available evidence is currently insufficient to determine the role of this variant in disease. Therefore, it has been classified as a Variant of Uncertain Significance. Algorithms developed to predict the effect of missense changes on protein structure and function (SIFT, PolyPhen-2, Align-GVGD) all suggest that this variant is likely to be disruptive, but these predictions have not been confirmed by published functional studies and their clinical significance is uncertain.